The following is an entry in ClinVar:

ClinVar aggregate classification (germline): Uncertain significance. Review status: criteria provided, multiple submitters, no conflicts (2 of 4 stars). 4 submissions from 4 submitters: Uncertain significance (4). Last evaluated 2025-03-31.

Conditions:
Acute myeloid leukemia (AML). Also called: Leukemia, acute myeloid, somatic; Leukemia, acute myelogenous, somatic; Acute myeloid leukemia, adult; AML adult; Acute non-lymphocytic leukemia; Acute granulocytic leukemia. Identifiers: Orphanet 519, MedGen C0023467, MeSH D015470, MONDO:0018874, OMIM 601626, HP:0004808. Disease mechanism: Constitutively activated FLT3.
Deafness-lymphedema-leukemia syndrome. Also called: Emberger syndrome; Lymphedema, primary, with myelodysplasia. Identifiers: Orphanet 3226, MedGen C3279664, MONDO:0013540, OMIM 614038.
Monocytopenia with susceptibility to infections. Also called: IMMUNODEFICIENCY 21; MONOCYTOPENIA AND MYCOBACTERIAL INFECTION SYNDROME; MONOCYTOPENIA WITH SUSCEPTIBILITY TO MYCOBACTERIAL, FUNGAL, AND PAPILLOMAVIRUS INFECTIONS AND MYELODYSPLASIA; COMBINED IMMUNODEFICIENCY WITH SUSCEPTIBILITY TO MYCOBACTERIAL, VIRAL, AND FUNGAL INFECTIONS; Dendritic cell, monocyte, B lymphocyte, and natural killer lymphocyte deficiency; GATA2 DEFICIENCY. Identifiers: Orphanet 228423, MedGen C3280030, MONDO:0013607, OMIM 614172.

Allele frequency attached by ClinVar (database versions not stated): ExAC 0.00002; gnomAD 0.00003 and 0.00004; TOPMed 0.00003.
gnomAD v4.1: 19 of 1,614,128 alleles (0.0012%); highest among the groups gnomAD compares: African/African-American, 0.0067%; no homozygotes.

Submissions (4):

Labcorp Genetics (formerly Invitae), Labcorp
Classification: Uncertain significance for Monocytopenia with susceptibility to infections; Deafness-lymphedema-leukemia syndrome. Last evaluated: 2025-03-31. Review status: criteria provided, single submitter. Criteria: Invitae Variant Classification Sherloc (09022015). Collection method: clinical testing. Allele origin: germline.
Comment: This sequence change replaces proline, which is neutral and non-polar, with leucine, which is neutral and non-polar, at codon 444 of the GATA2 protein (p.Pro444Leu). This variant is present in population databases (rs781161922, gnomAD 0.01%). This variant has not been reported in the literature in individuals affected with GATA2-related conditions. ClinVar contains an entry for this variant (Variation ID: 574296). Invitae Evidence Modeling of protein sequence and biophysical properties (such as structural, functional, and spatial information, amino acid conservation, physicochemical variation, residue mobility, and thermodynamic stability) has been performed for this missense variant. However, the output from this modeling did not meet the statistical confidence thresholds required to predict the impact of this variant on GATA2 protein function. In summary, the available evidence is currently insufficient to determine the role of this variant in disease. Therefore, it has been classified as a Variant of Uncertain Significance.

GeneDx
Classification: Uncertain significance. Last evaluated: 2024-02-21. Review status: criteria provided, single submitter. Criteria: GeneDx Variant Classification Process June 2021. Collection method: clinical testing. Allele origin: germline. Affected: yes.
Comment: Observed in large population cohorts (gnomAD; internal data); In silico analysis supports that this missense variant does not alter protein structure/function; Has not been previously published as pathogenic or benign to our knowledge

Baylor Genetics
Classification: Uncertain significance for Acute myeloid leukemia. Last evaluated: 2023-10-01. Review status: criteria provided, single submitter. Criteria: ACMG Guidelines, 2015. Collection method: clinical testing. Allele origin: unknown.

Blueprint Genetics
Classification: Uncertain significance. Last evaluated: 2023-09-05. Review status: criteria provided, single submitter. Criteria: ACMG Guidelines, 2015. Collection method: clinical testing. Allele origin: germline.

NM_032638.5(GATA2):c.1331C>T (p.Pro444Leu)

Gene: GATA2 (GATA binding protein 2; minus strand). Cytogenetic location: 3q21.3.
Variant type: single nucleotide variant.
Coding change: c.1331C>T on transcript NM_032638.5 (MANE Select); coding-DNA position 1331, C replaced by T.
Protein change: p.Pro444Leu; replaces proline 444 with leucine.
Molecular consequence: missense variant.
Genome position (GRCh38, 1-based): chr3:128,481,131, G>A on the plus strand (C>T on the coding strand, the complement: GATA2 is on the minus strand). VCF-style: chr3-128481131-G-A. GRCh37 (hg19) VCF-style: chr3-128199974-G-A.
Other names: c.1331C>T, p.Pro444Leu (NM_001145661.2); c.1289C>T, p.Pro430Leu (NM_001145662.1); short protein forms P444L, P430L.
Identifiers: ClinVar variation 574296 (VCV000574296.12), dbSNP rs781161922, ClinGen allele CA2599798.
Genomic context (GRCh38, chr3:128,481,131, plus strand): 5'-CTGGAGGAGGGGTGGATGGGCGTCGGAGTGGGCAGGATGTGTCCGGAGTGGCTGAAGGGC[G>A]GGAGGTGGCCCACAGGTGCCATGTGTCCAGCCAGGGCAGCTGCACTGAAGGGGGATGACT-3'
Protein context (NP_116027.2, residues 434-454): AGHMAPVGHL[Pro444Leu]PFSHSGHILP